The following is an entry in ClinVar:

ClinVar aggregate classification (germline): Uncertain significance (1 of 4 stars; one submission).

Conditions:
Charcot-Marie-Tooth disease type 2. Also called: Charcot-Marie-Tooth type 2. Identifiers: Orphanet 64746, MedGen C0270914, MONDO:0018993.

Submission:

Labcorp Genetics (formerly Invitae), Labcorp
Classification: Uncertain significance for Charcot-Marie-Tooth disease type 2. Last evaluated: 2022-12-02. Review status: criteria provided, single submitter. Criteria: Invitae Variant Classification Sherloc (09022015). Collection method: clinical testing. Allele origin: germline.
Comment: In summary, the available evidence is currently insufficient to determine the role of this variant in disease. Therefore, it has been classified as a Variant of Uncertain Significance. Advanced modeling of protein sequence and biophysical properties (such as structural, functional, and spatial information, amino acid conservation, physicochemical variation, residue mobility, and thermodynamic stability) performed at Invitae indicates that this missense variant is not expected to disrupt KIF1B protein function. This variant has not been reported in the literature in individuals affected with KIF1B-related conditions. This variant is not present in population databases (gnomAD no frequency). This sequence change replaces asparagine, which is neutral and polar, with threonine, which is neutral and polar, at codon 576 of the KIF1B protein (p.Asn576Thr).

NM_001365951.3(KIF1B):c.1865A>C (p.Asn622Thr)

Gene: KIF1B (kinesin family member 1B; plus strand). Cytogenetic location: 1p36.22.
Variant type: single nucleotide variant.
Coding change: c.1865A>C on transcript NM_001365951.3 (MANE Select); coding-DNA position 1865, A replaced by C.
Protein change: p.Asn622Thr; replaces asparagine 622 with threonine.
Molecular consequence: missense variant.
Genome position (GRCh38, 1-based): chr1:10,296,900, A>C. VCF-style: chr1-10296900-A-C. GRCh37 (hg19) VCF-style: chr1-10356958-A-C.
Other names: c.1727A>C, p.Asn576Thr (NM_001365953.1, NM_015074.3, NM_183416.4); c.1865A>C, p.Asn622Thr (NM_001365952.1); short protein forms N576T, N622T.
Identifiers: ClinVar variation 2799889 (VCV002799889.3), dbSNP rs2521401423, ClinGen allele CA338316474.